The following is an entry in ClinVar:

ClinVar aggregate classification (germline): Likely pathogenic (1 of 4 stars; one submission).

Submission:

Illumina Laboratory Services, Illumina
Classification: Likely pathogenic. Last evaluated: 2021-11-05. Review status: criteria provided, single submitter. Criteria: ICSL CNVClassificationCriteria Aug2020. Collection method: clinical testing. Allele origin: unknown.
Comment: This CNV is a 449 kb deletion of 1q21.1, on chromosome 1 (seq[GRCh37]del(1)(q21.1); chr1:g.145382933_145831892del), which is inherited. This CNV constitutes a loss encompassing 16 protein coding genes and occurs in the proximal region of 1q21.1, flanked by segmental deletions that mediate recurrent breakpoints (BPs) BP2 and BP3 (Rosenfeld et al. 2012). Proximal deletions in these regions have been associated with TAR syndrome, a "partial" TAR syndrome and individuals with varied abnormal phenotypes, and are also enriched in patients presenting with a variable combination of features such as intellectual disability, developmental delay, dysmorphic features, and other variable congenital anomalies including short stature, failure to thrive/feeding problems, microcephaly, macrocephaly, hypotonia, seizures, hearing loss, brain abnormalities, ophthalmologic abnormalities, cardiac, skeletal, renal, and genital anomalies, and autistic features and behavioral issues (Rosendeld et al. 2012). Where inheritance could be determined, similar deletions to that observed in the proband have been observed to have occurred either de novo (in four individuals) or to be inherited from a parent who was either mildly affected or unaffected (in six individuals) (Rosenfeld et al. 2012; Buse et al. 2017). A large case-control comparison study found a significant enrichment of this deletion in patients with the above-mentioned neurodevelopmental abnormalities even though it is to be noted that some patients in this particular study did also have features of TAR syndrome (Coe et al. 2014). A larger deletion that completely encompasses this deletion has been observed in one control individual in the Database of Genomic Variants (MacDonald et al. 2013). A similar deletion has been observed in a total of three individuals at a frequency of 0.000141 in the Genome Aggregation Database. Based on the evidence, this CNV is classified as likely pathogenic.

Literature cited by the submitters: PubMed 22317977; PubMed 24174537; PubMed 25217958; PubMed 28724436.

NC_000001.10:g.145382933_145831892del

Genes: GPR89A (G protein-coupled receptor 89A; plus strand), CD160 (CD160 molecule; plus strand), ANKRD34A (ankyrin repeat domain 34A; minus strand), ANKRD35 (ankyrin repeat domain 35; minus strand), HJV (hemojuvelin BMP co-receptor; minus strand) and 11 more. Cytogenetic location: 1q21.1.
Variant type: Deletion.
Identifiers: ClinVar variation 1331349 (VCV001331349.3).